The following is an entry in ClinVar:

NM_001048174.2(MUTYH):c.1004G>A (p.Ser335Asn)

Gene: MUTYH (mutY DNA glycosylase; minus strand). Cytogenetic location: 1p34.1.
Variant type: single nucleotide variant.
Coding change: c.1004G>A on transcript NM_001048174.2 (MANE Select); coding-DNA position 1004, G replaced by A.
Protein change: p.Ser335Asn; replaces serine 335 with asparagine.
Molecular consequence: missense variant. On other transcripts: non-coding transcript variant (2).
Genome position (GRCh38, 1-based): chr1:45,331,759, C>T on the plus strand (G>A on the coding strand, the complement: MUTYH is on the minus strand). VCF-style: chr1-45331759-C-T. GRCh37 (hg19) VCF-style: chr1-45797431-C-T.
Other names: c.1004G>A, p.Ser335Asn (NM_001048171.2, NM_001048173.2, NM_001293195.2); c.1007G>A, p.Ser336Asn (NM_001048172.2); c.1088G>A, p.Ser363Asn (NM_001128425.2); c.1049G>A, p.Ser350Asn (NM_001293190.2); c.1037G>A, p.Ser346Asn (NM_001293191.2); c.728G>A, p.Ser243Asn (NM_001293192.2, NM_001293196.2); c.659G>A, p.Ser220Asn (NM_001350650.2, NM_001350651.2); c.1079G>A, p.Ser360Asn (NM_012222.3); short protein forms S220N, S243N, S335N, S336N, S346N, S350N, S360N, S363N.
Identifiers: ClinVar variation 1332408 (VCV001332408.6), dbSNP rs1394139323, ClinGen allele CA340133615.

ClinVar aggregate classification (germline): Uncertain significance. Review status: criteria provided, multiple submitters, no conflicts (2 of 4 stars). 3 submissions from 3 submitters: Uncertain significance (3). Last evaluated 2025-08-27.

Conditions:
Familial adenomatous polyposis 2. Also called: MYH-associated polyposis; FAP type 2; MUTYH-associated polyposis; MUTYH-related attenuated familial adenomatous polyposis; Adenomas, multiple colorectal; COLORECTAL ADENOMATOUS POLYPOSIS, AUTOSOMAL RECESSIVE. Identifiers: Orphanet 220460, Orphanet 247798, MedGen C3272841, MONDO:0012041, OMIM 608456.
Hereditary cancer-predisposing syndrome. Also called: Neoplastic Syndromes, Hereditary; Tumor predisposition; Hereditary Cancer Syndrome; Hereditary neoplastic syndrome. Identifiers: Orphanet 140162, MedGen C0027672, MeSH D009386, MONDO:0015356.

Submissions (3):

Ambry Genetics
Classification: Uncertain significance for Hereditary cancer-predisposing syndrome. Last evaluated: 2025-08-27. Review status: criteria provided, single submitter. Criteria: Ambry Variant Classification Scheme 2023. Collection method: clinical testing. Allele origin: germline.
Comment: The p.S363N variant (also known as c.1088G>A), located in coding exon 12 of the MUTYH gene, results from a G to A substitution at nucleotide position 1088. The serine at codon 363 is replaced by asparagine, an amino acid with highly similar properties. This amino acid position is conserved. In addition, this alteration is predicted to be tolerated by in silico analysis. Based on the available evidence, the clinical significance of this variant remains unclear.

Color Diagnostics, LLC DBA Color Health
Classification: Uncertain significance for Hereditary cancer-predisposing syndrome. Last evaluated: 2024-03-06. Review status: criteria provided, single submitter. Criteria: ACMG Guidelines, 2015. Collection method: clinical testing. Allele origin: germline.
Comment: This missense variant replaces serine with asparagine at codon 363 of the MUTYH protein. Computational prediction suggests that this variant may not impact protein structure and function (internally defined REVEL score threshold <= 0.5, PMID: 27666373). To our knowledge, functional studies have not been reported for this variant. This variant has not been reported in individuals affected with hereditary cancer in the literature. This variant has not been identified in the general population by the Genome Aggregation Database (gnomAD). The available evidence is insufficient to determine the role of this variant in disease conclusively. Therefore, this variant is classified as a Variant of Uncertain Significance.

All of Us Research Program, National Institutes of Health
Classification: Uncertain significance for Familial adenomatous polyposis 2. Last evaluated: 2023-06-26. Review status: criteria provided, single submitter. Criteria: ACMG Guidelines, 2015. Collection method: clinical testing. Allele origin: germline. Inheritance: Autosomal recessive inheritance. Observed: 1 variant allele, 1 heterozygote.
Comment: This missense variant replaces serine with asparagine at codon 363 of the MUTYH protein. Computational prediction suggests that this variant may not impact protein structure and function (internally defined REVEL score threshold <= 0.5, PMID: 27666373). To our knowledge, functional studies have not been reported for this variant. This variant has not been reported in individuals affected with hereditary cancer in the literature. This variant has not been identified in the general population by the Genome Aggregation Database (gnomAD). The available evidence is insufficient to determine the role of this variant in disease conclusively. Therefore, this variant is classified as a Variant of Uncertain Significance.

This study involves interpretation of variants in research participants for the purpose of population health screening. Participant phenotype was not available at the time of variant classification. Additional details can be found in publication PMID: 35346344, PMCID: PMC8962531